The following is an entry in ClinVar:

ClinVar aggregate classification (germline): Likely benign (1 of 4 stars; one submission).

gnomAD v4.1: 7 of 1,614,142 alleles (0.00043%); highest among the groups gnomAD compares: Non-Finnish European, 0.00059%; no homozygotes.

Submission:

CeGaT Center for Human Genetics Tuebingen
Classification: Likely benign. Last evaluated: 2024-07-01. Review status: criteria provided, single submitter. Criteria: CeGaT Center For Human Genetics Tuebingen Variant Classification Criteria Version 2. Collection method: clinical testing. Allele origin: germline. Affected: yes. Observed: 1 variant allele.
Comment: SYNE1: PM2:Supporting, BP4, BP7

NM_182961.4(SYNE1):c.16656A>G (p.Gly5552=)

Gene: SYNE1 (spectrin repeat containing nuclear envelope protein 1; minus strand). Cytogenetic location: 6q25.2.
Variant type: single nucleotide variant.
Coding change: c.16656A>G on transcript NM_182961.4 (MANE Select); coding-DNA position 16656, A replaced by G.
Protein change: p.Gly5552=; no amino-acid change (glycine 5552 retained).
Molecular consequence: synonymous variant.
Genome position (GRCh38, 1-based): chr6:152,316,903, T>C on the plus strand (A>G on the coding strand, the complement: SYNE1 is on the minus strand). VCF-style: chr6-152316903-T-C. GRCh37 (hg19) VCF-style: chr6-152638038-T-C.
Other names: c.16443A>G, p.Gly5481= (NM_033071.5).
Identifiers: ClinVar variation 3257403 (VCV003257403.17).
Genomic context (GRCh38, chr6:152,316,903, plus strand): 5'-GGTTACCTGATGCAAAATATATTGTTCCCGAAGCTGGCTTGCAGAATTCCATGCAATAGT[T>C]CCATGAGCCAAGACTTTAGCTTTTTCAATCCACTTCAAAATTAATTCAAGCATTTCATTG-3'
Protein context (NP_892006.3, residues 5542-5562): WIEKAKVLAH[Gly5552=]TIAWNSASQL